The following is an entry in ClinVar:

NM_012238.5(SIRT1):c.47C>A (p.Ser16Ter)

Genes: SIRT1 (sirtuin 1; plus strand), LOC107832851 (SIRT1 promoter region; plus strand). Cytogenetic location: 10q21.3.
Variant type: single nucleotide variant.
Coding change: c.47C>A on transcript NM_012238.5 (MANE Select); coding-DNA position 47, C replaced by A.
Protein change: p.Ser16Ter; replaces serine 16 with a stop codon.
Molecular consequence: nonsense.
Genome position (GRCh38, 1-based): chr10:67,884,768, C>A. VCF-style: chr10-67884768-C-A. GRCh37 (hg19) VCF-style: chr10-69644526-C-A.
Other names: short protein forms S16*.
Identifiers: ClinVar variation 2694883 (VCV002694883.3), dbSNP rs995901311, ClinGen allele CA377035123.

ClinVar aggregate classification (germline): Uncertain significance (1 of 4 stars; one submission).

gnomAD v4.1: 1 of 1,227,382 alleles (0.000081%); highest among the groups gnomAD compares: Non-Finnish European, 0.0001%; no homozygotes.

Submission:

Labcorp Genetics (formerly Invitae), Labcorp
Classification: Uncertain significance. Last evaluated: 2023-11-28. Review status: criteria provided, single submitter. Criteria: Invitae Variant Classification Sherloc (09022015). Collection method: clinical testing. Allele origin: germline.
Comment: This sequence change creates a premature translational stop signal (p.Ser16*) in the SIRT1 gene. It is expected to result in an absent or disrupted protein product. However, the current clinical and genetic evidence is not sufficient to establish whether loss-of-function variants in SIRT1 cause disease. This variant is not present in population databases (gnomAD no frequency). This variant has not been reported in the literature in individuals affected with SIRT1-related conditions. In summary, the available evidence is currently insufficient to determine the role of this variant in disease. Therefore, it has been classified as a Variant of Uncertain Significance.